The following is an entry in ClinVar:

NM_001282933.2(ZNF341):c.938-5T>C

Gene: ZNF341 (zinc finger protein 341; plus strand). Cytogenetic location: 20q11.22.
Variant type: single nucleotide variant.
Coding change: c.938-5T>C on transcript NM_001282933.2 (MANE Select); 5 bases into the intron before coding-DNA position 938, T replaced by C.
Molecular consequence: intron variant.
Genome position (GRCh38, 1-based): chr20:33,758,711, T>C. VCF-style: chr20-33758711-T-C. GRCh37 (hg19) VCF-style: chr20-32346517-T-C.
Other names: c.917-5T>C (NM_032819.5); c.668-5T>C (NM_001282935.2).
Identifiers: ClinVar variation 2095614 (VCV002095614.4), dbSNP rs2515472302, ClinGen allele CA2580098092.

ClinVar aggregate classification (germline): Uncertain significance (1 of 4 stars; one submission).

Submission:

Labcorp Genetics (formerly Invitae), Labcorp
Classification: Uncertain significance. Last evaluated: 2022-10-17. Review status: criteria provided, single submitter. Criteria: Invitae Variant Classification Sherloc (09022015). Collection method: clinical testing. Allele origin: germline.
Comment: This sequence change falls in intron 6 of the ZNF341 gene. It does not directly change the encoded amino acid sequence of the ZNF341 protein. This variant is not present in population databases (gnomAD no frequency). This variant has not been reported in the literature in individuals affected with ZNF341-related conditions. Algorithms developed to predict the effect of sequence changes on RNA splicing suggest that this variant may disrupt the consensus splice site. In summary, the available evidence is currently insufficient to determine the role of this variant in disease. Therefore, it has been classified as a Variant of Uncertain Significance.